The following is an entry in ClinVar:

NM_000169.3(GLA):c.889T>C (p.Ser297Pro)

Genes: GLA (galactosidase alpha; minus strand), RPL36A-HNRNPH2 (RPL36A-HNRNPH2 readthrough; plus strand). Cytogenetic location: Xq22.1.
Variant type: single nucleotide variant.
Coding change: c.889T>C on transcript NM_000169.3 (MANE Select); coding-DNA position 889, T replaced by C.
Protein change: p.Ser297Pro; replaces serine 297 with proline.
Molecular consequence: missense variant. On other transcripts: non-coding transcript variant (3), intron variant (2).
Genome position (GRCh38, 1-based): chrX:101,398,480, A>G on the plus strand (T>C on the coding strand, the complement: GLA is on the minus strand). VCF-style: chrX-101398480-A-G. GRCh37 (hg19) VCF-style: chrX-100653468-A-G.
Other names: c.1012T>C, p.Ser338Pro (NM_001406747.1); c.889T>C, p.Ser297Pro (NM_001406748.1); c.300+3023A>G (NM_001199973.2); c.177+6658A>G (NM_001199974.2); short protein forms S297P, S338P.
Identifiers: ClinVar variation 839647 (VCV000839647.13), dbSNP rs1928167952, ClinGen allele CA413922390.

ClinVar aggregate classification (germline): Pathogenic/Likely pathogenic. Review status: criteria provided, multiple submitters, no conflicts (2 of 4 stars). 3 submissions from 3 submitters: Pathogenic (1); Likely pathogenic (2). Last evaluated 2026-09-08.

Conditions:
Fabry disease. Also called: CERAMIDE TRIHEXOSIDASE DEFICIENCY; GLA DEFICIENCY; HEREDITARY DYSTOPIC LIPIDOSIS; Ceramide trihexosidosis; Fabry's disease; ALPHA-GALACTOSIDASE A DEFICIENCY. Identifiers: Orphanet 324, MedGen C0002986, MONDO:0010526, OMIM 301500, HP:0001071. Disease mechanism: loss of function, Fabry disease is due to inactivating mutations in the X-linked GLA gene resulting in deficiency of the enzyme Alpha Galactosidase-A..

Submissions (3):

Genomenon, Inc
Classification: Likely pathogenic for Fabry disease. Last evaluated: 2026-09-08. Review status: criteria provided, single submitter. Criteria: Genomenon Sequence Variant Interpretation Standards - Updated. Collection method: curation. Allele origin: germline. Affected: yes.
Comment: GLA p.Ser297Pro (c.889T>C) is a missense variant that changes the amino acid at codon 297 from Serine to Proline. This variant has been observed in at least one proband with clinical features consistent with Fabry disease (PMID:38002959). The variant was found to segregate with disease in at least one affected family (PMID:38002959). The presence of pathogenic/likely pathogenic missense variant(s) at the same amino acid position indicates that this residue is likely important for protein function. It is absent or not present at a significant frequency in gnomAD. In silico models predict that this variant is possibly or probably damaging. In conclusion, we classify GLA p.Ser297Pro (c.889T>C) as a likely pathogenic variant.

GeneDx
Classification: Pathogenic. Last evaluated: 2023-11-02. Review status: criteria provided, single submitter. Criteria: GeneDx Variant Classification Process June 2021. Collection method: clinical testing. Allele origin: germline. Affected: yes.
Comment: Identified in a family with Fabry disease (PMID: 26238931); Not observed at significant frequency in large population cohorts (gnomAD); In silico analysis supports that this missense variant has a deleterious effect on protein structure/function; This variant is associated with the following publications: (PMID: 26238931)

Labcorp Genetics (formerly Invitae), Labcorp
Classification: Likely pathogenic for Fabry disease. Last evaluated: 2020-07-30. Review status: criteria provided, single submitter. Criteria: Invitae Variant Classification Sherloc (09022015). Collection method: clinical testing. Allele origin: germline.
Comment: In summary, the currently available evidence indicates that the variant is pathogenic, but additional data are needed to prove that conclusively. Therefore, this variant has been classified as Likely Pathogenic. This variant disrupts the p.Ser297 amino acid residue in GLA. Other variant(s) that disrupt this residue have been determined to be pathogenic (PMID: 31620600, 20505683, 19287194, 12428061, 19287194, 7504405). This suggests that this residue is clinically significant, and that variants that disrupt this residue are likely to be disease-causing. Algorithms developed to predict the effect of missense changes on protein structure and function (SIFT, PolyPhen-2, Align-GVGD) all suggest that this variant is likely to be disruptive, but these predictions have not been confirmed by published functional studies and their clinical significance is uncertain. This variant has been observed in individual(s) with Fabry disease (PMID: 26238931). ClinVar contains an entry for this variant (Variation ID: 839647). This variant is not present in population databases (ExAC no frequency). This sequence change replaces serine with proline at codon 297 of the GLA protein (p.Ser297Pro). The serine residue is highly conserved and there is a moderate physicochemical difference between serine and proline.

Literature cited by the submitters: PubMed 38002959 (cited by Genomenon, Inc); PubMed 31620600 (cited by Labcorp Genetics (formerly Invitae), Labcorp); PubMed 20505683 (cited by Labcorp Genetics (formerly Invitae), Labcorp); PubMed 19287194 (cited by Labcorp Genetics (formerly Invitae), Labcorp); PubMed 12428061 (cited by Labcorp Genetics (formerly Invitae), Labcorp); PubMed 7504405 (cited by Labcorp Genetics (formerly Invitae), Labcorp); PubMed 26238931 (cited by Labcorp Genetics (formerly Invitae), Labcorp).